The following is an entry in ClinVar:

NM_000497.4(CYP11B1):c.610C>G (p.Leu204Val)

Genes: CYP11B1 (cytochrome P450 family 11 subfamily B member 1; minus strand), LOC106799833 (CYP11B1 recombination region; plus strand). Cytogenetic location: 8q24.3.
Variant type: single nucleotide variant.
Coding change: c.610C>G on transcript NM_000497.4 (MANE Select); coding-DNA position 610, C replaced by G.
Protein change: p.Leu204Val; replaces leucine 204 with valine.
Molecular consequence: missense variant.
Genome position (GRCh38, 1-based): chr8:142,876,871, G>C on the plus strand (C>G on the coding strand, the complement: CYP11B1 is on the minus strand). VCF-style: chr8-142876871-G-C. GRCh37 (hg19) VCF-style: chr8-143958287-G-C.
Other names: c.610C>G, p.Leu204Val (NM_001026213.1); short protein forms L204V.
Identifiers: ClinVar variation 2154318 (VCV002154318.1), dbSNP rs191294148, ClinGen allele CA4905359.

ClinVar aggregate classification (germline): Uncertain significance (1 of 4 stars; one submission).

Allele frequency attached by ClinVar (database versions not stated): gnomAD exomes 0.00001; ExAC 0.00002; 1000 Genomes Project 30x 0.00016; 1000 Genomes Project 0.00020.
gnomAD v4.1: 16 of 1,614,204 alleles (0.00099%); highest among the groups gnomAD compares: Admixed American, 0.0033%; no homozygotes.

Submission:

Labcorp Genetics (formerly Invitae), Labcorp
Classification: Uncertain significance. Last evaluated: 2022-03-15. Review status: criteria provided, single submitter. Criteria: Invitae Variant Classification Sherloc (09022015). Collection method: clinical testing. Allele origin: germline.
Comment: This sequence change replaces leucine, which is neutral and non-polar, with valine, which is neutral and non-polar, at codon 204 of the CYP11B1 protein (p.Leu204Val). This variant is present in population databases (rs191294148, gnomAD 0.006%). This missense change has been observed in individual(s) with CYP11B1-related conditions (PMID: 31388123). Algorithms developed to predict the effect of missense changes on protein structure and function are either unavailable or do not agree on the potential impact of this missense change (SIFT: "Deleterious"; PolyPhen-2: "Possibly Damaging"; Align-GVGD: "Class C0"). In summary, the available evidence is currently insufficient to determine the role of this variant in disease. Therefore, it has been classified as a Variant of Uncertain Significance.

Literature cited by the submitters: PubMed 31388123.